The following is an entry in ClinVar:

ClinVar aggregate classification (germline): Uncertain significance. Review status: criteria provided, multiple submitters, no conflicts (2 of 4 stars). 2 submissions from 2 submitters: Uncertain significance (2). Last evaluated 2025-04-14.

Conditions:
Norman-Roberts syndrome (LIS2). Also called: Lissencephaly 2 (Norman-Roberts type). Identifiers: Orphanet 89844, MedGen C0796089, MONDO:0009760, OMIM 257320.
Familial temporal lobe epilepsy 7. Identifiers: Orphanet 101046, MedGen C4225327, MONDO:0014639, OMIM 616436.
Inborn genetic diseases. Identifiers: MedGen C0950123, MeSH D030342.

Allele frequency attached by ClinVar (database versions not stated): gnomAD exomes below 0.00001; TOPMed below 0.00001; gnomAD 0.00001.
gnomAD v4.1: 2 of 1,610,958 alleles (0.00012%); highest among the groups gnomAD compares: African/African-American, 0.0013%; no homozygotes.

Submissions (2):

Ambry Genetics
Classification: Uncertain significance for Inborn genetic diseases. Last evaluated: 2025-04-14. Review status: criteria provided, single submitter. Criteria: Ambry Variant Classification Scheme 2023. Collection method: clinical testing. Allele origin: germline.

Labcorp Genetics (formerly Invitae), Labcorp
Classification: Uncertain significance for Familial temporal lobe epilepsy 7; Norman-Roberts syndrome. Last evaluated: 2022-09-03. Review status: criteria provided, single submitter. Criteria: Invitae Variant Classification Sherloc (09022015). Collection method: clinical testing. Allele origin: germline.
Comment: In summary, the available evidence is currently insufficient to determine the role of this variant in disease. Therefore, it has been classified as a Variant of Uncertain Significance. Algorithms developed to predict the effect of missense changes on protein structure and function (SIFT, PolyPhen-2, Align-GVGD) all suggest that this variant is likely to be tolerated. ClinVar contains an entry for this variant (Variation ID: 952013). This variant has not been reported in the literature in individuals affected with RELN-related conditions. This variant is present in population databases (no rsID available, gnomAD 0.003%). This sequence change replaces proline, which is neutral and non-polar, with leucine, which is neutral and non-polar, at codon 657 of the RELN protein (p.Pro657Leu).

NM_005045.4(RELN):c.1970C>T (p.Pro657Leu)

Gene: RELN (reelin; minus strand). Cytogenetic location: 7q22.1.
Variant type: single nucleotide variant.
Coding change: c.1970C>T on transcript NM_005045.4 (MANE Select); coding-DNA position 1970, C replaced by T.
Protein change: p.Pro657Leu; replaces proline 657 with leucine.
Molecular consequence: missense variant.
Genome position (GRCh38, 1-based): chr7:103,650,306, G>A on the plus strand (C>T on the coding strand, the complement: RELN is on the minus strand). VCF-style: chr7-103650306-G-A. GRCh37 (hg19) VCF-style: chr7-103290753-G-A.
Other names: c.1970C>T, p.Pro657Leu (NM_173054.3); short protein forms P657L.
Identifiers: ClinVar variation 952013 (VCV000952013.10), dbSNP rs1325531129, ClinGen allele CA368764035.